The following is an entry in ClinVar:

ClinVar aggregate classification (germline): Pathogenic/Likely pathogenic. Review status: criteria provided, multiple submitters, no conflicts (2 of 4 stars). 4 submissions from 4 submitters: Pathogenic (1); Likely pathogenic (2). 1 of the submissions does not count toward it. Last evaluated 2025-11-28.

Conditions:
SLCO2A1-related disorder. Also called: SLCO2A1-related condition.
Hypertrophic osteoarthropathy, primary, autosomal recessive, 2 (PHOAR2E). Also called: PACHYDERMOPERIOSTOSIS, AUTOSOMAL RECESSIVE; PDP, AUTOSOMAL RECESSIVE; HYPERTROPHIC OSTEOARTHROPATHY, PRIMARY, AUTOSOMAL RECESSIVE, 2/ENTEROPATHY SYNDROME; PHOAR2-enteropathy syndrome. Identifiers: Orphanet 2796, MedGen C3280800, MONDO:0013756, OMIM 614441.

Allele frequency attached by ClinVar (database versions not stated): ExAC 0.00003; gnomAD 0.00003 and 0.00004.
gnomAD v4.1: 124 of 1,613,924 alleles (0.0077%); highest among the groups gnomAD compares: Non-Finnish European, 0.0087%; no homozygotes.

Submissions (4):

3billion
Classification: Likely pathogenic for Hypertrophic osteoarthropathy, primary, autosomal recessive, 2. Last evaluated: 2025-11-28. Review status: criteria provided, single submitter. Criteria: ACMG Guidelines, 2015. Collection method: clinical testing. Allele origin: germline. Affected: yes.
Comment: The variant is observed at an extremely low frequency in the gnomAD v4.1.0 dataset (total allele frequency: 0.008%). Predicted Consequence/Location: Missense variant In silico tool predictions suggest damaging effect of the variant on gene or gene product [REVEL: 0.89 (>=0.6, sensitivity 0.68 and specificity 0.92); 3Cnet: 0.50 (> 0.75, sensitivity 0.96 and precision 0.92)]. The same nucleotide change resulting in the same amino acid change has been previously reported to be associated with SLCO2A1-related disorder (ClinVar ID: VCV001350810 /PMID: 28425581).The variant has been reported to be in trans with a pathogenic variant as either compound heterozygous or homozygous in at least one similarly affected unrelated individual (PMID: 30931527). Therefore, this variant is classified as Likely pathogenic according to the recommendation of ACMG/AMP guideline.

Labcorp Genetics (formerly Invitae), Labcorp
Classification: Pathogenic. Last evaluated: 2025-02-24. Review status: criteria provided, single submitter. Criteria: Invitae Variant Classification Sherloc (09022015). Collection method: clinical testing. Allele origin: germline.
Comment: This sequence change replaces glycine, which is neutral and non-polar, with arginine, which is basic and polar, at codon 104 of the SLCO2A1 protein (p.Gly104Arg). This variant is present in population databases (rs387907297, gnomAD 0.05%). This missense change has been observed in individual(s) with primary hypertrophic osteoarthropathy (PMID: 30931527). In at least one individual the data is consistent with being in trans (on the opposite chromosome) from a pathogenic variant. ClinVar contains an entry for this variant (Variation ID: 1350810). Invitae Evidence Modeling of protein sequence and biophysical properties (such as structural, functional, and spatial information, amino acid conservation, physicochemical variation, residue mobility, and thermodynamic stability) indicates that this missense variant is expected to disrupt SLCO2A1 protein function with a positive predictive value of 95%. For these reasons, this variant has been classified as Pathogenic.

Blueprint Genetics
Classification: Likely pathogenic for SLCO2A1-related disorders. Last evaluated: 2024-01-18. Review status: criteria provided, single submitter. Criteria: ACMG Guidelines, 2015. Collection method: clinical testing. Allele origin: germline. Affected: yes. Observed: 4 variant alleles.

OMIM
Classification: Pathogenic for PHOAR2-ENTEROPATHY SYNDROME. Last evaluated: 2024-02-13. Review status: no assertion criteria provided. Collection method: literature only. Allele origin: germline. Not counted in ClinVar's aggregate classification.

Literature cited by the submitters: PubMed 30931527 (cited by 3billion and Labcorp Genetics (formerly Invitae), Labcorp); PubMed 28425581 (cited by 3billion and OMIM).

NM_005630.3(SLCO2A1):c.310G>A (p.Gly104Arg)

Gene: SLCO2A1 (solute carrier organic anion transporter family member 2A1; minus strand). Cytogenetic location: 3q22.1.
Variant type: single nucleotide variant.
Coding change: c.310G>A on transcript NM_005630.3 (MANE Select); coding-DNA position 310, G replaced by A.
Protein change: p.Gly104Arg; replaces glycine 104 with arginine.
Molecular consequence: missense variant.
Genome position (GRCh38, 1-based): chr3:133,973,750, C>T on the plus strand (G>A on the coding strand, the complement: SLCO2A1 is on the minus strand). VCF-style: chr3-133973750-C-T. GRCh37 (hg19) VCF-style: chr3-133692594-C-T.
Other names: short protein forms G104R.
Identifiers: ClinVar variation 1350810 (VCV001350810.9), dbSNP rs387907297, ClinGen allele CA2626869.